The following is an entry in ClinVar:

ClinVar aggregate classification (germline): Benign/Likely benign. Review status: criteria provided, multiple submitters, no conflicts (2 of 4 stars). 3 submissions from 3 submitters: Benign (1); Likely benign (2). Last evaluated 2024-11-13.

Conditions:
Renal cell carcinoma. Identifiers: Orphanet 217071, MedGen C0007134, MeSH D002292, MONDO:0005086, HP:0005584.
Hereditary cancer-predisposing syndrome. Also called: Tumor predisposition; Neoplastic Syndromes, Hereditary; Hereditary Cancer Syndrome; Hereditary neoplastic syndrome. Identifiers: Orphanet 140162, MedGen C0027672, MeSH D009386, MONDO:0015356.
Papillary renal cell carcinoma type 1 (RCCP1). Also called: Renal adenocarcinoma; Renal cell carcinoma 1; Renal cell carcinoma, somatic; RENAL CELL CARCINOMA, PAPILLARY, 1, SOMATIC. Identifiers: Orphanet 47044, MedGen C1336839, OMIM 605074, HP:0011797.

Allele frequency attached by ClinVar (database versions not stated): gnomAD exomes below 0.00001; TOPMed below 0.00001; ExAC 0.00001; gnomAD 0.00001.
gnomAD v4.1: 2 of 1,613,802 alleles (0.00012%); highest among the groups gnomAD compares: African/African-American, 0.0013%; no homozygotes.

Submissions (3):

Myriad Genetics, Inc.
Classification: Benign for Papillary renal cell carcinoma type 1. Last evaluated: 2024-11-13. Review status: criteria provided, single submitter. Criteria: Myriad Autosomal Dominant, Autosomal Recessive and X-Linked Classification Criteria (2023). Collection method: clinical testing. Allele origin: unknown.
Comment: This variant is considered benign. This variant is a silent/synonymous amino acid change and it is not expected to impact splicing.

Labcorp Genetics (formerly Invitae), Labcorp
Classification: Likely benign for Renal cell carcinoma. Last evaluated: 2024-05-12. Review status: criteria provided, single submitter. Criteria: Invitae Variant Classification Sherloc (09022015). Collection method: clinical testing. Allele origin: germline.

Ambry Genetics
Classification: Likely benign for Hereditary cancer-predisposing syndrome. Last evaluated: 2022-10-20. Review status: criteria provided, single submitter. Criteria: Ambry Variant Classification Scheme 2023. Collection method: clinical testing. Allele origin: germline.

NM_000245.4(MET):c.3495T>C (p.Leu1165=)

Gene: MET (MET proto-oncogene, receptor tyrosine kinase; plus strand). Cytogenetic location: 7q31.2.
Variant type: single nucleotide variant.
Coding change: c.3495T>C on transcript NM_000245.4 (MANE Select); coding-DNA position 3495, T replaced by C.
Protein change: p.Leu1165=; no amino-acid change (leucine 1165 retained).
Molecular consequence: synonymous variant.
Genome position (GRCh38, 1-based): chr7:116,778,930, T>C. VCF-style: chr7-116778930-T-C. GRCh37 (hg19) VCF-style: chr7-116418984-T-C.
Other names: c.3549T>C, p.Leu1183= (NM_001127500.3); c.2205T>C, p.Leu735= (NM_001324402.2).
Identifiers: ClinVar variation 1644333 (VCV001644333.11), dbSNP rs758902071, ClinGen allele CA4448731.